The following is an entry in ClinVar:

ClinVar aggregate classification (germline): Conflicting classifications of pathogenicity. Review status: criteria provided, conflicting classifications (1 of 4 stars). 5 submissions from 5 submitters: Uncertain significance (1); Likely benign (3). 1 of the submissions does not count toward it. Last evaluated 2025-11-04.

Conditions:
Cardiovascular phenotype. Identifiers: MedGen CN230736.
TTN-related disorder. Also called: TTN-related condition; TTN-related disease; TTN-related disorders.
Autosomal recessive limb-girdle muscular dystrophy type 2J (LGMDR10). Also called: MUSCULAR DYSTROPHY, LIMB-GIRDLE, AUTOSOMAL RECESSIVE 10; Limb-girdle muscular dystrophy, type 2J. Identifiers: Orphanet 140922, MedGen C1837342, MONDO:0012127, OMIM 608807.
Dilated cardiomyopathy 1G (CMD1G). Identifiers: Orphanet 154, MedGen C1858763, MONDO:0011400, OMIM 604145.

Allele frequency attached by ClinVar (database versions not stated): gnomAD 0.00001; gnomAD exomes 0.00001 and 0.00002; ExAC 0.00002; TOPMed 0.00003.
gnomAD v4.1: 22 of 1,613,180 alleles (0.0014%); highest among the groups gnomAD compares: South Asian, 0.0033%; no homozygotes.

Submissions (5):

Labcorp Genetics (formerly Invitae), Labcorp
Classification: Likely benign for Dilated cardiomyopathy 1G; Autosomal recessive limb-girdle muscular dystrophy type 2J. Last evaluated: 2025-11-04. Review status: criteria provided, single submitter. Criteria: Invitae Variant Classification Sherloc (09022015). Collection method: clinical testing. Allele origin: germline.

GeneDx
Classification: Likely benign. Last evaluated: 2021-03-03. Review status: criteria provided, single submitter. Criteria: GeneDx Variant Classification Process June 2021. Collection method: clinical testing. Allele origin: germline. Affected: yes.

Ambry Genetics
Classification: Likely benign for Cardiovascular phenotype. Last evaluated: 2017-06-05. Review status: criteria provided, single submitter. Criteria: Ambry Variant Classification Scheme 2023. Collection method: clinical testing. Allele origin: germline.

Eurofins Ntd Llc (ga)
Classification: Uncertain significance. Last evaluated: 2017-05-09. Review status: criteria provided, single submitter. Criteria: EGL Classification Definitions 2015. Collection method: clinical testing. Allele origin: germline. Observed: 1 variant allele, 1 heterozygote.

PreventionGenetics, part of Exact Sciences
Classification: Likely benign for TTN-related condition. Last evaluated: 2019-07-12. Review status: no assertion criteria provided. Collection method: clinical testing. Allele origin: germline. Not counted in ClinVar's aggregate classification.
Comment: This variant is classified as likely benign based on ACMG/AMP sequence variant interpretation guidelines (Richards et al. 2015 PMID: 25741868, with internal and published modifications).

NM_001267550.2(TTN):c.44112C>T (p.His14704=)

Gene: TTN (titin; minus strand). Cytogenetic location: 2q31.2.
Variant type: single nucleotide variant.
Coding change: c.44112C>T on transcript NM_001267550.2 (MANE Select); coding-DNA position 44112, C replaced by T.
Protein change: p.His14704=; no amino-acid change (histidine 14704 retained).
Molecular consequence: synonymous variant.
Genome position (GRCh38, 1-based): chr2:178,630,846, G>A on the plus strand (C>T on the coding strand, the complement: TTN is on the minus strand). VCF-style: chr2-178630846-G-A. GRCh37 (hg19) VCF-style: chr2-179495573-G-A.
Other names: c.39189C>T, p.His13063= (NM_001256850.1); c.16917C>T, p.His5639= (NM_003319.4); c.36408C>T, p.His12136= (NM_133378.4); c.17292C>T, p.His5764= (NM_133432.3); c.17493C>T, p.His5831= (NM_133437.4).
Identifiers: ClinVar variation 501922 (VCV000501922.22), dbSNP rs754693395, ClinGen allele CA1995758.
Genomic context (GRCh38, chr2:178,630,846, plus strand): 5'-GTTCAGAAATAGCCTTACAGGTGTTTGGAGTAGGGCCTCTCCCTTGAGTTTCCAGTTGGC[G>A]TGGATATCATCTTCAGAGATTTCGGTTTCAAAGCGTGCTGTCTCAGTCTCCATCACCTCC-3'
Protein context (NP_001254479.2, residues 14694-14714): FETEISEDDI[His14704=]ANWKLKGEAL